The following is an entry in ClinVar:

NM_000632.4(ITGAM):c.229C>T (p.Arg77Cys)

Genes: ITGAM (integrin subunit alpha M; plus strand), LOC126862331 (P300/CBP strongly-dependent group 1 enhancer GRCh37_chr16:31276375-31277574; plus strand). Cytogenetic location: 16p11.2.
Variant type: single nucleotide variant.
Coding change: c.229C>T on transcript NM_000632.4 (MANE Select); coding-DNA position 229, C replaced by T.
Protein change: p.Arg77Cys; replaces arginine 77 with cysteine.
Molecular consequence: missense variant.
Genome position (GRCh38, 1-based): chr16:31,265,489, C>T. VCF-style: chr16-31265489-C-T. GRCh37 (hg19) VCF-style: chr16-31276810-C-T.
Other names: c.229C>T, p.Arg77Cys (NM_001145808.2); c.229C>T (NM_000632.3); short protein forms R77C.
Identifiers: ClinVar variation 1409930 (VCV001409930.9), dbSNP rs778435275, ClinGen allele CA8025151.

ClinVar aggregate classification (germline): Uncertain significance. Review status: criteria provided, multiple submitters, no conflicts (2 of 4 stars). 2 submissions from 2 submitters: Uncertain significance (2). Last evaluated 2025-11-02.

Allele frequency attached by ClinVar (database versions not stated): gnomAD 0.00001 and 0.00002; ExAC 0.00002; TOPMed 0.00002; gnomAD exomes 0.00004.
gnomAD v4.1: 52 of 1,596,962 alleles (0.0033%); highest among the groups gnomAD compares: Non-Finnish European, 0.0042%; no homozygotes.

Submissions (2):

Labcorp Genetics (formerly Invitae), Labcorp
Classification: Uncertain significance. Last evaluated: 2025-11-02. Review status: criteria provided, single submitter. Criteria: Invitae Variant Classification Sherloc (09022015). Collection method: clinical testing. Allele origin: germline.
Comment: This sequence change replaces arginine, which is basic and polar, with cysteine, which is neutral and slightly polar, at codon 77 of the ITGAM protein (p.Arg77Cys). The frequency data for this variant in the population databases is considered unreliable, as metrics indicate poor data quality at this position in the gnomAD database. This variant has not been reported in the literature in individuals affected with ITGAM-related conditions. ClinVar contains an entry for this variant (Variation ID: 1409930). An algorithm developed to predict the effect of missense changes on protein structure and function (PolyPhen-2) suggests that this variant is likely to be disruptive. In summary, the available evidence is currently insufficient to determine the role of this variant in disease. Therefore, it has been classified as a Variant of Uncertain Significance.

Ambry Genetics
Classification: Uncertain significance. Last evaluated: 2024-04-08. Review status: criteria provided, single submitter. Criteria: Ambry Variant Classification Scheme 2023. Collection method: clinical testing. Allele origin: germline.